The following is an entry in ClinVar:

ClinVar aggregate classification (germline): Benign (1 of 4 stars; one submission).

Allele frequency attached by ClinVar (database versions not stated): 1000 Genomes Project 30x 0.99750; 1000 Genomes Project 0.99760; TOPMed 0.99856; gnomAD 0.99892.
gnomAD v4.1: 152,091 of 152,284 alleles (100%); highest among the groups gnomAD compares: East Asian, 100%; 75,949 homozygotes.

Submission:

GeneDx
Classification: Benign. Last evaluated: 2018-06-14. Review status: criteria provided, single submitter. Criteria: GeneDx Variant Classification (06012015). Collection method: clinical testing. Allele origin: germline. Affected: yes.
Comment: This variant is considered likely benign or benign based on one or more of the following criteria: it is a conservative change, it occurs at a poorly conserved position in the protein, it is predicted to be benign by multiple in silico algorithms, and/or has population frequency not consistent with disease.

NM_006790.3(MYOT):c.357-250T>G

Genes: PKD2L2-DT (PKD2L2 divergent transcript; minus strand), MYOT (myotilin; plus strand). Cytogenetic location: 5q31.2.
Variant type: single nucleotide variant.
Coding change: c.357-250T>G on transcript NM_006790.3 (MANE Select); 250 bases into the intron before coding-DNA position 357, T replaced by G.
Molecular consequence: intron variant.
Genome position (GRCh38, 1-based): chr5:137,875,579, T>G. VCF-style: chr5-137875579-T-G. GRCh37 (hg19) VCF-style: chr5-137211268-T-G.
Other names: c.12-250T>G (NM_001300911.2); c.-196-250T>G (NM_001135940.2).
Identifiers: ClinVar variation 667621 (VCV000667621.1), dbSNP rs2691634, ClinGen allele CA128100104.